The following is an entry in ClinVar:

ClinVar aggregate classification (germline): Uncertain significance (1 of 4 stars; one submission).

Conditions:
Propionic acidemia (PROP). Also called: GLYCINEMIA, KETOTIC; HYPERGLYCINEMIA WITH KETOACIDOSIS AND LEUKOPENIA; KETOTIC HYPERGLYCINEMIA. Identifiers: Orphanet 35, MedGen C0268579, MONDO:0011628, OMIM 606054, HP:0003571.

gnomAD v4.1: 1 of 1,613,958 alleles (0.000062%); highest among the groups gnomAD compares: Non-Finnish European, 0.000085%; no homozygotes.

Submission:

Labcorp Genetics (formerly Invitae), Labcorp
Classification: Uncertain significance for Propionic acidemia. Last evaluated: 2023-12-01. Review status: criteria provided, single submitter. Criteria: Invitae Variant Classification Sherloc (09022015). Collection method: clinical testing. Allele origin: germline.
Comment: This sequence change replaces aspartic acid, which is acidic and polar, with valine, which is neutral and non-polar, at codon 722 of the PCCA protein (p.Asp722Val). This variant is not present in population databases (gnomAD no frequency). This variant has not been reported in the literature in individuals affected with PCCA-related conditions. ClinVar contains an entry for this variant (Variation ID: 1400370). Advanced modeling of protein sequence and biophysical properties (such as structural, functional, and spatial information, amino acid conservation, physicochemical variation, residue mobility, and thermodynamic stability) has been performed at Invitae for this missense variant, however the output from this modeling did not meet the statistical confidence thresholds required to predict the impact of this variant on PCCA protein function. In summary, the available evidence is currently insufficient to determine the role of this variant in disease. Therefore, it has been classified as a Variant of Uncertain Significance.

NM_000282.4(PCCA):c.2165A>T (p.Asp722Val)

Gene: PCCA (propionyl-CoA carboxylase subunit alpha; plus strand). Cytogenetic location: 13q32.3.
Variant type: single nucleotide variant.
Coding change: c.2165A>T on transcript NM_000282.4 (MANE Select); coding-DNA position 2165, A replaced by T.
Protein change: p.Asp722Val; replaces aspartic acid 722 with valine.
Molecular consequence: missense variant. On other transcripts: non-coding transcript variant (5).
Genome position (GRCh38, 1-based): chr13:100,530,144, A>T. VCF-style: chr13-100530144-A-T. GRCh37 (hg19) VCF-style: chr13-101182398-A-T.
Other names: c.2087A>T, p.Asp696Val (NM_001127692.3); c.2024A>T, p.Asp675Val (NM_001178004.2); c.2111A>T, p.Asp704Val (NM_001352605.2); c.2021A>T, p.Asp674Val (NM_001352606.2); c.1946A>T, p.Asp649Val (NM_001352607.2); c.1943A>T, p.Asp648Val (NM_001352608.2); c.1220A>T, p.Asp407Val (NM_001352610.2); c.1166A>T, p.Asp389Val (NM_001352611.2); and 1 more; short protein forms D389V, D648V, D704V, D359V, D696V, D722V, D407V, D649V.
Identifiers: ClinVar variation 1400370 (VCV001400370.6), dbSNP rs1283571787, ClinGen allele CA388641115.